The following is an entry in ClinVar:

ClinVar aggregate classification (germline): not provided (0 of 4 stars; one submission).

Conditions:
Familial cancer of breast. Also called: Hereditary breast cancer; hereditary breast carcinoma; BREAST CANCER, FAMILIAL. Identifiers: Orphanet 227535, MedGen C0346153, MONDO:0016419, OMIM 114480. Disease mechanism: loss of function.

Submissions (2):

Brotman Baty Institute, University of Washington
No classification provided (evidence only). Condition: Breast-ovarian cancer, familial 1. Review status: no classification provided. Collection method: in vitro. Allele origin: not applicable. Functional consequence: function_uncertain_variant. Not counted in ClinVar's aggregate classification.
ClinVar note: "not provided" was previously submitted as the classification for the variant. However, the classification appeared to be based only on an observation of functional data so it was converted to no classification on 2025-07-30.

ClinVar Staff, National Center for Biotechnology Information (NCBI)
No classification provided. Condition: Familial cancer of breast. Review status: no classification provided. Collection method: literature only. Allele origin: germline. Affected: yes.

Literature cited by the submitters: PubMed 22078348 (cited by ClinVar Staff, National Center for Biotechnology Information (NCBI)).

NM_007294.4(BRCA1):c.273T>G (p.Cys91Trp)

Gene: BRCA1 (BRCA1 DNA repair associated; minus strand). Cytogenetic location: 17q21.31.
Variant type: single nucleotide variant.
Coding change: c.273T>G on transcript NM_007294.4 (MANE Select); coding-DNA position 273, T replaced by G.
Protein change: p.Cys91Trp; replaces cysteine 91 with tryptophan.
Molecular consequence: missense variant. On other transcripts: non-coding transcript variant (1).
Genome position (GRCh38, 1-based): chr17:43,104,896, A>C on the plus strand (T>G on the coding strand, the complement: BRCA1 is on the minus strand). VCF-style: chr17-43104896-A-C. GRCh37 (hg19) VCF-style: chr17-41256913-A-C.
Other names: c.273T>G, p.Cys91Trp (NM_001407854.1, NM_001407858.1, NM_001407859.1 and 168 more transcripts); c.195T>G, p.Cys65Trp (NM_001407862.1, NM_001407874.1, NM_001407875.1 and 21 more transcripts); c.63T>G, p.Cys21Trp (NM_001407879.1, NM_001407881.1, NM_001407882.1 and 58 more transcripts); c.132T>G, p.Cys44Trp (NM_001407920.1, NM_001407921.1, NM_001407922.1 and 99 more transcripts); c.-109T>G (NM_001407959.1, NM_001407960.1, NM_001407962.1 and 4 more transcripts); c.141T>G, p.Cys47Trp (NM_001408451.1); short protein forms C91W, C44W, C47W, C21W, C65W.
Identifiers: ClinVar variation 54666 (VCV000054666.4), dbSNP rs397509006, ClinGen allele CA001805.